The following is an entry in ClinVar:

NM_001304388.2(GOLGA6L2):c.2348T>C (p.Val783Ala)

Gene: GOLGA6L2 (golgin A6 family like 2; minus strand). Cytogenetic location: 15q11.2.
Variant type: single nucleotide variant.
Coding change: c.2348T>C on transcript NM_001304388.2 (MANE Select); coding-DNA position 2348, T replaced by C.
Protein change: p.Val783Ala; replaces valine 783 with alanine.
Molecular consequence: missense variant.
Genome position (GRCh38, 1-based): chr15:23,440,127, A>G on the plus strand (T>C on the coding strand, the complement: GOLGA6L2 is on the minus strand). VCF-style: chr15-23440127-A-G. GRCh37 (hg19) VCF-style: chr15-23685274-A-G.
Other names: short protein forms V783A.
Identifiers: ClinVar variation 2644971 (VCV002644971.24), dbSNP rs191022312, ClinGen allele CA7428633.

ClinVar aggregate classification (germline): Likely benign (1 of 4 stars; one submission).

Allele frequency attached by ClinVar (database versions not stated): ExAC 0.00047; gnomAD 0.00182.

Submission:

CeGaT Center for Human Genetics Tuebingen
Classification: Likely benign. Last evaluated: 2023-04-01. Review status: criteria provided, single submitter. Criteria: CeGaT Center For Human Genetics Tuebingen Variant Classification Criteria Version 2. Collection method: clinical testing. Allele origin: germline. Affected: yes. Observed: 3 variant alleles.
Comment: GOLGA6L2: BS2